The following is an entry in ClinVar:

NM_006306.4(SMC1A):c.2314-2A>T

Gene: SMC1A (structural maintenance of chromosomes 1A; minus strand). Cytogenetic location: Xp11.22.
Variant type: single nucleotide variant.
Coding change: c.2314-2A>T on transcript NM_006306.4 (MANE Select); the canonical splice acceptor site of the intron before coding-DNA position 2314, A replaced by T.
Molecular consequence: splice acceptor variant.
Genome position (GRCh38, 1-based): chrX:53,403,674, T>A on the plus strand (A>T on the coding strand, the complement: SMC1A is on the minus strand). VCF-style: chrX-53403674-T-A. GRCh37 (hg19) VCF-style: chrX-53430606-T-A.
Other names: c.2248-2A>T (NM_001281463.1).
Identifiers: ClinVar variation 1480591 (VCV001480591.8), dbSNP rs1602409271, ClinGen allele CA413251142.

ClinVar aggregate classification (germline): Likely pathogenic (1 of 4 stars; one submission).

Conditions:
Congenital muscular hypertrophy-cerebral syndrome (CDLS2). Also called: Cornelia de Lange syndrome 2; SMC1A-Related Cornelia de Lange Syndrome. Identifiers: Orphanet 199, MedGen C1802395, MONDO:0010370, OMIM 300590.

Submission:

Labcorp Genetics (formerly Invitae), Labcorp
Classification: Likely pathogenic for Congenital muscular hypertrophy-cerebral syndrome. Last evaluated: 2021-04-24. Review status: criteria provided, single submitter. Criteria: Invitae Variant Classification Sherloc (09022015). Collection method: clinical testing. Allele origin: germline.
Comment: In summary, the currently available evidence indicates that the variant is pathogenic, but additional data are needed to prove that conclusively. Therefore, this variant has been classified as Likely Pathogenic. Algorithms developed to predict the effect of sequence changes on RNA splicing suggest that this variant may disrupt the consensus splice site, but this prediction has not been confirmed by published transcriptional studies. This variant has not been reported in the literature in individuals with SMC1A-related conditions. This variant is not present in population databases (ExAC no frequency). This sequence change affects an acceptor splice site in intron 14 of the SMC1A gene. It is expected to disrupt RNA splicing. Variants that disrupt the donor or acceptor splice site typically lead to a loss of protein function (PMID: 16199547), and loss-of-function variants in SMC1A are known to be pathogenic (PMID: 26386245, 27334371, 28166369, 28548707, 31334757).

Literature cited by the submitters: PubMed 16199547; PubMed 26386245; PubMed 27334371; PubMed 28166369; PubMed 28548707; PubMed 31334757.